The following is an entry in ClinVar:

NC_000012.11:g.(8998819_9000144)_(9007428_9008104)del

Gene: A2ML1 (alpha-2-macroglobulin like 1; plus strand). Cytogenetic location: 12p13.31.
Variant type: Deletion.
Identifiers: ClinVar variation 3063754 (VCV003063754.1).

ClinVar aggregate classification (germline): Uncertain significance (1 of 4 stars; one submission).

Submission:

Women's Health and Genetics/Laboratory Corporation of America, LabCorp
Classification: Uncertain significance. Last evaluated: 2024-01-03. Review status: criteria provided, single submitter. Criteria: LabCorp Variant Classification Summary - May 2015. Collection method: clinical testing. Allele origin: germline.
Comment: Variant summary: The variant involves the deletion of exons 15-22 in the A2ML1 gene. A presumed nomenclature of c.(1683+1_1684-1)_(2764+1_2765-1)del has been designated for the purposes of this classification. This Copy Number Variant (CNV) is expected to alter the reading frame and predicted to result in a truncation or absence of the encoded protein due to nonsense mediated decay (NMD). However, available evidence is not sufficient to establish whether loss-of-function variants in A2ML1 cause disease. The variant allele was found at a frequency of 4.9e-05 in 20338 control chromosomes (gnomAD, Structural Variants dataset). The available data on variant occurrences in the general population are insufficient to allow any conclusion about variant significance. To our knowledge, no occurrence of c.(1683+1_1684-1)_(2764+1_2765-1)del in individuals affected with Otitis Media, Susceptibility to and no experimental evidence demonstrating its impact on protein function have been reported. One submitter has cited clinical-significance assessments for this variant to ClinVar after 2014 and has classified the variant as uncertain significance. Based on the evidence outlined above, the variant was classified as uncertain significance.